The following is an entry in ClinVar:

ClinVar aggregate classification (germline): Uncertain significance (1 of 4 stars; one submission).

Submission:

Women's Health and Genetics/Laboratory Corporation of America, LabCorp
Classification: Uncertain significance. Last evaluated: 2023-07-13. Review status: criteria provided, single submitter. Criteria: LabCorp Variant Classification Summary - May 2015. Collection method: clinical testing. Allele origin: germline.
Comment: Variant summary: SCN8A c.4524+20T>G alters a non-conserved nucleotide located close to a canonical splice site and therefore could affect mRNA splicing, leading to a significantly altered protein sequence. 4/4 computational tools predict no significant impact on normal splicing. However, these predictions have yet to be confirmed by functional studies. The variant was absent in 233132 control chromosomes (gnomAD). The available data on variant occurrences in the general population are insufficient to allow any conclusion about variant significance. To our knowledge, no occurrence of c.4524+20T>G in individuals affected with Early Infantile Epileptic Encephalopathy 13 and no experimental evidence demonstrating its impact on protein function have been reported. No submitters have cited clinical-significance assessments for this variant to ClinVar after 2014. Based on the evidence outlined above, the variant was classified as uncertain significance.

NM_001330260.2(SCN8A):c.4524+20T>G

Gene: SCN8A (sodium voltage-gated channel alpha subunit 8; plus strand). Cytogenetic location: 12q13.13.
Variant type: single nucleotide variant.
Coding change: c.4524+20T>G on transcript NM_001330260.2 (MANE Select); 20 bases into the intron after coding-DNA position 4524, T replaced by G.
Molecular consequence: intron variant.
Genome position (GRCh38, 1-based): chr12:51,790,522, T>G. VCF-style: chr12-51790522-T-G. GRCh37 (hg19) VCF-style: chr12-52184306-T-G.
Other names: c.4524+20T>G (NM_014191.4); c.4401+20T>G (NM_001177984.3, NM_001369788.1).
Identifiers: ClinVar variation 2577094 (VCV002577094.1), dbSNP rs145702447, ClinGen allele CA689794567.